The following is an entry in ClinVar:

NM_021008.4(DEAF1):c.1182C>T (p.Tyr394=)

Gene: DEAF1 (DEAF1 transcription factor; minus strand). Cytogenetic location: 11p15.5.
Variant type: single nucleotide variant.
Coding change: c.1182C>T on transcript NM_021008.4 (MANE Select); coding-DNA position 1182, C replaced by T.
Protein change: p.Tyr394=; no amino-acid change (tyrosine 394 retained).
Molecular consequence: synonymous variant.
Genome position (GRCh38, 1-based): chr11:678,767, G>A on the plus strand (C>T on the coding strand, the complement: DEAF1 is on the minus strand). VCF-style: chr11-678767-G-A. GRCh37 (hg19) VCF-style: chr11-678767-G-A.
Other names: c.915C>T, p.Tyr305= (NM_001293634.2); c.456C>T, p.Tyr152= (NM_001367390.1).
Identifiers: ClinVar variation 1336114 (VCV001336114.32), dbSNP rs202179285, ClinGen allele CA5786286.
Genomic context (GRCh38, chr11:678,767, plus strand): 5'-TGACGTTGGCAACGCAGCTTCTGGAAACGGTGCGATCTGGCAGCTGTCCTGATAGCCGGG[G>A]TAGTGAGGCTCAGGGTGGCTGGCCCTGCATGGGGGCTGCACGCTGGCCTCTTGGACTGTT-3'
Protein context (NP_066288.2, residues 384-404): PCRASHPEPH[Tyr394=]PGYQDSCQIA

ClinVar aggregate classification (germline): Benign/Likely benign. Review status: criteria provided, multiple submitters, no conflicts (2 of 4 stars). 4 submissions from 4 submitters: Benign (1); Likely benign (3). Last evaluated 2025-11-01.

Allele frequency attached by ClinVar (database versions not stated): ESP Exome Variant Server 0.00008; gnomAD exomes 0.00009 and 0.00014; gnomAD 0.00012 and 0.00014; ExAC 0.00017.
gnomAD v4.1: 145 of 1,614,066 alleles (0.009%); highest among the groups gnomAD compares: Non-Finnish European, 0.006%; no homozygotes.

Submissions (4):

CeGaT Center for Human Genetics Tuebingen
Classification: Likely benign. Last evaluated: 2025-11-01. Review status: criteria provided, single submitter. Criteria: CeGaT Center For Human Genetics Tuebingen Variant Classification Criteria Version 2. Collection method: clinical testing. Allele origin: germline. Affected: yes. Observed: 2 variant alleles.
Comment: DEAF1: BP4, BP7

Labcorp Genetics (formerly Invitae), Labcorp
Classification: Likely benign. Last evaluated: 2025-02-24. Review status: criteria provided, single submitter. Criteria: Invitae Variant Classification Sherloc (09022015). Collection method: clinical testing. Allele origin: germline.

Blueprint Genetics
Classification: Likely benign. Last evaluated: 2024-09-19. Review status: criteria provided, single submitter. Criteria: ACMG Guidelines, 2015. Collection method: clinical testing. Allele origin: germline.

Genetic Services Laboratory, University of Chicago
Classification: Benign. Last evaluated: 2017-07-18. Review status: criteria provided, single submitter. Criteria: ACMG Guidelines, 2015. Collection method: clinical testing. Allele origin: germline. Affected: no.